The following is an entry in ClinVar:

ClinVar aggregate classification (germline): Uncertain significance (1 of 4 stars; one submission).

Conditions:
Familial adenomatous polyposis 1 (FAP1). Also called: FAMILIAL ADENOMATOUS POLYPOSIS 1, ATTENUATED; POLYPOSIS, ADENOMATOUS INTESTINAL. Identifiers: MedGen C2713442, MONDO:0021056, OMIM 175100. Disease mechanism: loss of function.

Submission:

Labcorp Genetics (formerly Invitae), Labcorp
Classification: Uncertain significance for Familial adenomatous polyposis 1. Last evaluated: 2021-10-27. Review status: criteria provided, single submitter. Criteria: Invitae Variant Classification Sherloc (09022015). Collection method: clinical testing. Allele origin: germline.
Comment: In summary, the available evidence is currently insufficient to determine the role of this variant in disease. Therefore, it has been classified as a Variant of Uncertain Significance. Algorithms developed to predict the effect of missense changes on protein structure and function are either unavailable or do not agree on the potential impact of this missense change (SIFT: "Deleterious"; PolyPhen-2: "Possibly Damaging"; Align-GVGD: "Class C0"). This sequence change replaces threonine, a(n) neutral and polar amino acid, with arginine, a(n) basic and polar amino acid, at codon 2382 of the APC protein (p.Thr2382Arg). This variant is not present in population databases (gnomAD no frequency). This variant has not been reported in the literature in individuals affected with APC-related conditions.

NM_000038.6(APC):c.7145C>G (p.Thr2382Arg)

Gene: APC (APC regulator of Wnt signaling pathway; plus strand). Cytogenetic location: 5q22.2.
Variant type: single nucleotide variant.
Coding change: c.7145C>G on transcript NM_000038.6 (MANE Select); coding-DNA position 7145, C replaced by G.
Protein change: p.Thr2382Arg; replaces threonine 2382 with arginine.
Molecular consequence: missense variant.
Genome position (GRCh38, 1-based): chr5:112,842,739, C>G. VCF-style: chr5-112842739-C-G. GRCh37 (hg19) VCF-style: chr5-112178436-C-G.
Other names: c.7145C>G, p.Thr2382Arg (NM_001127510.3, NM_001354895.2); c.7091C>G, p.Thr2364Arg (NM_001127511.3); c.7199C>G, p.Thr2400Arg (NM_001354896.2); c.7175C>G, p.Thr2392Arg (NM_001354897.2); c.7070C>G, p.Thr2357Arg (NM_001354898.2); c.7061C>G, p.Thr2354Arg (NM_001354899.2); c.7022C>G, p.Thr2341Arg (NM_001354900.2); c.6968C>G, p.Thr2323Arg (NM_001354901.2); and 5 more; short protein forms T2222R, T2291R, T2354R, T2281R, T2323R, T2382R, T2099R, T2256R.
Identifiers: ClinVar variation 1468509 (VCV001468509.6), dbSNP rs2149980960, ClinGen allele CA16036893.